The following is an entry in ClinVar:

NM_000038.6(APC):c.7570A>T (p.Lys2524Ter)

Gene: APC (APC regulator of Wnt signaling pathway; plus strand). Cytogenetic location: 5q22.2.
Variant type: single nucleotide variant.
Coding change: c.7570A>T on transcript NM_000038.6 (MANE Select); coding-DNA position 7570, A replaced by T.
Protein change: p.Lys2524Ter; replaces lysine 2524 with a stop codon.
Molecular consequence: nonsense.
Genome position (GRCh38, 1-based): chr5:112,843,164, A>T. VCF-style: chr5-112843164-A-T. GRCh37 (hg19) VCF-style: chr5-112178861-A-T.
Other names: c.7570A>T (NM_000038.5); c.7570A>T, p.Lys2524Ter (NM_001127510.3, NM_001354895.2, NM_001407450.1); c.7516A>T, p.Lys2506Ter (NM_001127511.3); c.7624A>T, p.Lys2542Ter (NM_001354896.2, NM_001407447.1, NM_001407448.1 and 1 more transcripts); c.7600A>T, p.Lys2534Ter (NM_001354897.2); c.7495A>T, p.Lys2499Ter (NM_001354898.2); c.7486A>T, p.Lys2496Ter (NM_001354899.2); c.7447A>T, p.Lys2483Ter (NM_001354900.2); and 12 more; short protein forms K2398*, K2433*, K2441*, K2465*, K2499*, K2506*, K2241*, K2364*.
Identifiers: ClinVar variation 2148198 (VCV002148198.7), dbSNP rs143060722, ClinGen allele CA16037783.

ClinVar aggregate classification (germline): Pathogenic/Likely pathogenic. Review status: criteria provided, multiple submitters, no conflicts (2 of 4 stars). 3 submissions from 3 submitters: Pathogenic (2); Likely pathogenic (1). Last evaluated 2025-05-07.

Conditions:
Hereditary cancer-predisposing syndrome. Also called: Tumor predisposition; Hereditary neoplastic syndrome; Hereditary Cancer Syndrome; Neoplastic Syndromes, Hereditary. Identifiers: Orphanet 140162, MedGen C0027672, MeSH D009386, MONDO:0015356.
Familial adenomatous polyposis 1 (FAP1). Also called: FAMILIAL ADENOMATOUS POLYPOSIS 1, ATTENUATED; POLYPOSIS, ADENOMATOUS INTESTINAL. Identifiers: MedGen C2713442, MONDO:0021056, OMIM 175100. Disease mechanism: loss of function.

Submissions (3):

Labcorp Genetics (formerly Invitae), Labcorp
Classification: Pathogenic for Familial adenomatous polyposis 1. Last evaluated: 2025-05-07. Review status: criteria provided, single submitter. Criteria: Invitae Variant Classification Sherloc (09022015). Collection method: clinical testing. Allele origin: germline.
Comment: This sequence change creates a premature translational stop signal (p.Lys2524*) in the APC gene. While this is not anticipated to result in nonsense mediated decay, it is expected to disrupt the last 320 amino acid(s) of the APC protein. This variant is not present in population databases (gnomAD no frequency). This variant has not been reported in the literature in individuals affected with APC-related conditions. ClinVar contains an entry for this variant (Variation ID: 2148198). This variant is expected to disrupt the EB1 and HDLG binding sites, which mediate interactions with the cytoskeleton (PMID: 15311282, 17293347). While functional studies have not been performed to directly test the effect on APC protein function, this suggests that disruption of the C-terminal portion of the protein is functionally important. A different truncation (p.Tyr2645Lysfs*14) that lies downstream of this variant has been determined to be pathogenic (PMID: 9824584, 1316610, 27081525, 8381579, 22135120, internal data). This suggests that deletion of this region of the APC protein is causative of disease. For these reasons, this variant has been classified as Pathogenic.

Ambry Genetics
Classification: Likely pathogenic for Hereditary cancer-predisposing syndrome. Last evaluated: 2023-05-31. Review status: criteria provided, single submitter. Criteria: Ambry Variant Classification Scheme 2023. Collection method: clinical testing. Allele origin: germline.
Comment: The p.K2524* variant (also known as c.7570A>T), located in coding exon 15 of the APC gene, results from an A to T substitution at nucleotide position 7570. This changes the amino acid from a lysine to a stop codon within coding exon 15. This variant is considered to be rare based on population cohorts in the Genome Aggregation Database (gnomAD). This alteration is expected to result in loss of function by premature protein truncation or nonsense-mediated mRNA decay. As such, this alteration is interpreted as a disease-causing mutation.

Myriad Genetics, Inc.
Classification: Pathogenic for Familial adenomatous polyposis 1. Last evaluated: 2023-03-07. Review status: criteria provided, single submitter. Criteria: Myriad Autosomal Dominant, Autosomal Recessive and X-Linked Classification Criteria (2023). Collection method: clinical testing. Allele origin: unknown.
Comment: This variant is considered pathogenic. This variant creates a termination codon and is predicted to result in premature protein truncation.

Literature cited by the submitters: PubMed 15311282 (cited by Labcorp Genetics (formerly Invitae), Labcorp); PubMed 17293347 (cited by Labcorp Genetics (formerly Invitae), Labcorp); PubMed 9824584 (cited by Labcorp Genetics (formerly Invitae), Labcorp); PubMed 1316610 (cited by Labcorp Genetics (formerly Invitae), Labcorp); PubMed 27081525 (cited by Labcorp Genetics (formerly Invitae), Labcorp); PubMed 8381579 (cited by Labcorp Genetics (formerly Invitae), Labcorp); PubMed 22135120 (cited by Labcorp Genetics (formerly Invitae), Labcorp).